The following is an entry in ClinVar:

ClinVar aggregate classification (germline): Likely benign. Review status: criteria provided, multiple submitters, no conflicts (2 of 4 stars). 5 submissions from 5 submitters: Likely benign (5). Last evaluated 2026-07-30.

Conditions:
UBE3B-related disorder. Also called: UBE3B-related condition.
Inborn genetic diseases. Identifiers: MedGen C0950123, MeSH D030342.

Allele frequency attached by ClinVar (database versions not stated): 1000 Genomes Project 30x 0.00016; 1000 Genomes Project 0.00020; ExAC 0.00053; ESP Exome Variant Server 0.00054.

Submissions (5):

PreventionGenetics, part of Exact Sciences
Classification: Likely benign for UBE3B-related condition. Last evaluated: 2026-07-30. Review status: criteria provided, single submitter. Criteria: ACMG Guidelines, 2015. Collection method: clinical testing. Allele origin: germline.
Comment: This variant is classified as likely benign based on ACMG/AMP sequence variant interpretation guidelines (Richards et al. 2015 PMID: 25741868, with internal and published modifications).

Labcorp Genetics (formerly Invitae), Labcorp
Classification: Likely benign. Last evaluated: 2025-12-15. Review status: criteria provided, single submitter. Criteria: Invitae Variant Classification Sherloc (09022015). Collection method: clinical testing. Allele origin: germline.

CeGaT Center for Human Genetics Tuebingen
Classification: Likely benign. Last evaluated: 2025-04-01. Review status: criteria provided, single submitter. Criteria: CeGaT Center For Human Genetics Tuebingen Variant Classification Criteria Version 2. Collection method: clinical testing. Allele origin: germline. Affected: yes. Observed: 5 variant alleles.
Comment: UBE3B: BP4, BP7

Blueprint Genetics
Classification: Likely benign. Last evaluated: 2024-11-15. Review status: criteria provided, single submitter. Criteria: ACMG Guidelines, 2015. Collection method: clinical testing. Allele origin: germline.

Ambry Genetics
Classification: Likely benign for Inborn genetic diseases. Last evaluated: 2024-11-09. Review status: criteria provided, single submitter. Criteria: Ambry Variant Classification Scheme 2023. Collection method: clinical testing. Allele origin: germline.

NM_130466.4(UBE3B):c.2085C>T (p.Tyr695=)

Gene: UBE3B (ubiquitin protein ligase E3B; plus strand). Cytogenetic location: 12q24.11.
Variant type: single nucleotide variant.
Coding change: c.2085C>T on transcript NM_130466.4 (MANE Select); coding-DNA position 2085, C replaced by T.
Protein change: p.Tyr695=; no amino-acid change (tyrosine 695 retained).
Molecular consequence: synonymous variant.
Genome position (GRCh38, 1-based): chr12:109,521,156, C>T. VCF-style: chr12-109521156-C-T. GRCh37 (hg19) VCF-style: chr12-109958961-C-T.
Other names: c.2085C>T, p.Tyr695= (NM_183415.3); c.2085C>T (NM_130466.2, NM_130466.3).
Identifiers: ClinVar variation 2178308 (VCV002178308.31), dbSNP rs149472470, ClinGen allele CA6778124.
Genomic context (GRCh38, chr12:109,521,156, plus strand): 5'-GTGTGCATAAGGCTTTGGGCTTCCTAATGGGCTGTAATTCTGCTCTTGGCAGGACGGCTA[C>T]GAGCAGCTTAGGCAGCTCTCCCAGCACGCCATGAAGGGGGTCATCCGTGTGAAGTTTGTC-3'
Protein context (NP_569733.2, residues 685-705): IRRSRMLEDG[Tyr695=]EQLRQLSQHA